The following is an entry in ClinVar:

ClinVar aggregate classification (germline): Likely benign (1 of 4 stars; one submission).

Conditions:
Wolfram syndrome 1 (WFS1). Identifiers: Orphanet 3463, MedGen C4551693, MONDO:0009101, OMIM 222300.

Submission:

Clinical Genomics, Uppaluri K&H Personalized Medicine Clinic
Classification: Likely benign for Wolfram syndrome 1. Review status: criteria provided, single submitter. Criteria: K & H Uppaluri Personalized Medicine Clinic Variant Classification & Assertion Criteria_Updated V.1. Collection method: research. Allele origin: unknown. Inheritance: Autosomal recessive inheritance.
Comment: Potent mutations in WFS1 gene are associated with Wolfram's syndrome, an autosomal recessive condition, which cause diabetes mellitus, diabetes insipidus, deafness and optic atrophy. However no sufficient evidence is found to ascertain the role of this particular variant rs55640037 in Wolfram's syndrome yet.

Literature cited by the submitters: PubMed 20738327; PubMed 33879153; PubMed 12955714; PubMed 18060660; PubMed 20301750; PubMed 17603484.

NM_006005.3(WFS1):c.461-169_461-168insAGGAGCATG

Gene: WFS1 (wolframin ER transmembrane glycoprotein; plus strand). Cytogenetic location: 4p16.1.
Variant type: Insertion.
Coding change: c.461-169_461-168insAGGAGCATG on transcript NM_006005.3 (MANE Select); 169 bases into the intron before coding-DNA position 461 through 168 bases into the intron before coding-DNA position 461, AGGAGCATG inserted.
Molecular consequence: intron variant.
Genome position: GRCh38 VCF-style: chr4-6291028-C-CAGGAGCATG. GRCh37 (hg19) VCF-style: chr4-6292755-C-CAGGAGCATG.
Other names: c.461-169_461-168insAGGAGCATG (NM_001145853.1).
Identifiers: ClinVar variation 1810334 (VCV001810334.1), dbSNP rs55640037, ClinGen allele CA1058888538.